The following is an entry in ClinVar:

NM_015506.3(MMACHC):c.430-1G>A

Gene: MMACHC (metabolism of cobalamin associated C; plus strand). Cytogenetic location: 1p34.1.
Variant type: single nucleotide variant.
Coding change: c.430-1G>A on transcript NM_015506.3 (MANE Select); the canonical splice acceptor site of the intron before coding-DNA position 430, G replaced by A.
Molecular consequence: splice acceptor variant.
Genome position (GRCh38, 1-based): chr1:45,508,795, G>A. VCF-style: chr1-45508795-G-A. GRCh37 (hg19) VCF-style: chr1-45974467-G-A.
Other names: c.259-1G>A (NM_001330540.2).
Identifiers: ClinVar variation 3239724 (VCV003239724.2), dbSNP rs2522826741.

ClinVar aggregate classification (germline): Likely pathogenic. Review status: criteria provided, multiple submitters, no conflicts (2 of 4 stars). 2 submissions from 2 submitters: Likely pathogenic (2). Last evaluated 2025-11-16.

Conditions:
Cobalamin C disease. Also called: Cobalamin-C methylmalonic acidemia and homocystinuria; Methylmalonic acidemia and homocystinuria cblC type; Methylmalonic aciduria with homocystinuria cblC type; Vitamin B12 metabolic defect with combined deficiency of methylmalonyl-CoA mutase and homocysteine:methyltetrahydrofolate methyltransferase; Methylmalonic aciduria and homocystinuria, Vitamin B12-responsive; methylmalonic aciduria and homocystinuria type cblC. Identifiers: Orphanet 26, Orphanet 79282, MedGen C1848561, MONDO:0010184, OMIM 277400.

Allele frequency attached by ClinVar (database versions not stated): gnomAD exomes below 0.00001.
gnomAD v4.1: 1 of 1,613,602 alleles (0.000062%); highest among the groups gnomAD compares: Non-Finnish European, 0.000085%; no homozygotes.

Submissions (2):

3billion
Classification: Likely pathogenic for Cobalamin C disease. Last evaluated: 2025-11-16. Review status: criteria provided, single submitter. Criteria: ACMG Guidelines, 2015. Collection method: clinical testing. Allele origin: germline. Affected: yes.
Comment: The variant is observed at an extremely low frequency in the gnomAD v4.1.0 dataset (total allele frequency: <0.001%). Predicted Consequence/Location: Canonical splice site: predicted to alter splicing and result in a loss or disruption of normal protein function. The predicted truncated protein may be shortened by more than 10%. In silico tools predict the variant to alter splicing and produce an abnormal transcript [SpliceAI: 0.82 (spliceogenicity >=0.2, non-spliceogenicity <0.1)]. The variant has been reported to be associated with MMACHC-related disorder (ClinVar ID: VCV003239724). Therefore, this variant is classified as Likely pathogenic according to the recommendation of ACMG/AMP guideline.

Baylor Genetics
Classification: Likely pathogenic for Cobalamin C disease. Last evaluated: 2023-12-14. Review status: criteria provided, single submitter. Criteria: ACMG Guidelines, 2015. Collection method: clinical testing. Allele origin: unknown.